The following is an entry in ClinVar:

ClinVar aggregate classification (germline): Uncertain significance (1 of 4 stars; one submission).

Conditions:
Developmental and epileptic encephalopathy, 23 (DEE23). Also called: Epileptic encephalopathy, early infantile, 23. Identifiers: Orphanet 411986, MedGen C4014492, MONDO:0014371, OMIM 615859.

gnomAD v4.1: 4 of 1,613,956 alleles (0.00025%); highest among the groups gnomAD compares: South Asian, 0.0044%; no homozygotes.

Submission:

Labcorp Genetics (formerly Invitae), Labcorp
Classification: Uncertain significance for Developmental and epileptic encephalopathy, 23. Last evaluated: 2025-02-20. Review status: criteria provided, single submitter. Criteria: Invitae Variant Classification Sherloc (09022015). Collection method: clinical testing. Allele origin: germline.
Comment: This sequence change replaces valine, which is neutral and non-polar, with phenylalanine, which is neutral and non-polar, at codon 1084 of the DOCK7 protein (p.Val1084Phe). This variant is not present in population databases (gnomAD no frequency). This variant has not been reported in the literature in individuals affected with DOCK7-related conditions. Invitae Evidence Modeling of protein sequence and biophysical properties (such as structural, functional, and spatial information, amino acid conservation, physicochemical variation, residue mobility, and thermodynamic stability) indicates that this missense variant is not expected to disrupt DOCK7 protein function with a negative predictive value of 80%. In summary, the available evidence is currently insufficient to determine the role of this variant in disease. Therefore, it has been classified as a Variant of Uncertain Significance.

NM_001367561.1(DOCK7):c.3250G>T (p.Val1084Phe)

Gene: DOCK7 (dedicator of cytokinesis 7; minus strand). Cytogenetic location: 1p31.3.
Variant type: single nucleotide variant.
Coding change: c.3250G>T on transcript NM_001367561.1 (MANE Select); coding-DNA position 3250, G replaced by T.
Protein change: p.Val1084Phe; replaces valine 1084 with phenylalanine.
Molecular consequence: missense variant.
Genome position (GRCh38, 1-based): chr1:62,539,595, C>A on the plus strand (G>T on the coding strand, the complement: DOCK7 is on the minus strand). VCF-style: chr1-62539595-C-A. GRCh37 (hg19) VCF-style: chr1-63005266-C-A.
Other names: c.3250G>T, p.Val1084Phe (NM_001271999.2, NM_001330614.2); c.3157G>T, p.Val1053Phe (NM_001272000.2, NM_001272001.2, NM_033407.4); short protein forms V1084F, V1053F.
Identifiers: ClinVar variation 4695698 (VCV004695698.1).